The following is an entry in ClinVar:

ClinVar aggregate classification (germline): Uncertain significance (1 of 4 stars; one submission).

Conditions:
Hereditary cancer-predisposing syndrome. Also called: Hereditary Cancer Syndrome; Neoplastic Syndromes, Hereditary; Tumor predisposition; Hereditary neoplastic syndrome. Identifiers: Orphanet 140162, MedGen C0027672, MeSH D009386, MONDO:0015356.

Submission:

Ambry Genetics
Classification: Uncertain significance for Hereditary cancer-predisposing syndrome. Last evaluated: 2026-06-30. Review status: criteria provided, single submitter. Criteria: Ambry Variant Classification Scheme 2023. Collection method: clinical testing. Allele origin: germline.
Comment: The p.H996D variant (also known as c.2986C>G), located in coding exon 18 of the ALK gene, results from a C to G substitution at nucleotide position 2986. The histidine at codon 996 is replaced by aspartic acid, an amino acid with similar properties. This amino acid position is conserved. In addition, this alteration is predicted to be tolerated by in silico analysis. Based on the available evidence, the clinical significance of this variant remains unclear.

NM_004304.5(ALK):c.2986C>G (p.His996Asp)

Gene: ALK (ALK receptor tyrosine kinase; minus strand). Cytogenetic location: 2p23.2.
Variant type: single nucleotide variant.
Coding change: c.2986C>G on transcript NM_004304.5 (MANE Select); coding-DNA position 2986, C replaced by G.
Protein change: p.His996Asp; replaces histidine 996 with aspartic acid.
Molecular consequence: missense variant.
Genome position (GRCh38, 1-based): chr2:29,227,003, G>C on the plus strand (C>G on the coding strand, the complement: ALK is on the minus strand). VCF-style: chr2-29227003-G-C. GRCh37 (hg19) VCF-style: chr2-29449869-G-C.
Other names: short protein forms H996D.
Identifiers: ClinVar variation 5035108 (VCV005035108.1).